The following is an entry in ClinVar:

NM_001365536.1(SCN9A):c.3289G>A (p.Asp1097Asn)

Genes: SCN9A (sodium voltage-gated channel alpha subunit 9; minus strand), SCN1A-AS1 (SCN1A and SCN9A antisense RNA 1; plus strand). Cytogenetic location: 2q24.3.
Variant type: single nucleotide variant.
Coding change: c.3289G>A on transcript NM_001365536.1 (MANE Select); coding-DNA position 3289, G replaced by A.
Protein change: p.Asp1097Asn; replaces aspartic acid 1097 with asparagine.
Molecular consequence: missense variant.
Genome position (GRCh38, 1-based): chr2:166,272,461, C>T on the plus strand (G>A on the coding strand, the complement: SCN9A is on the minus strand). VCF-style: chr2-166272461-C-T. GRCh37 (hg19) VCF-style: chr2-167128971-C-T.
Other names: c.3256G>A, p.Asp1086Asn (NM_002977.4); short protein forms D1086N, D1097N.
Identifiers: ClinVar variation 451150 (VCV000451150.48), dbSNP rs768654039, ClinGen allele CA1944104.

ClinVar aggregate classification (germline): Uncertain significance. Review status: criteria provided, multiple submitters, no conflicts (2 of 4 stars). 5 submissions from 5 submitters: Uncertain significance (5). Last evaluated 2026-06-01.

Conditions:
Neuropathy, hereditary sensory and autonomic, type 2A (HSAN2A). Also called: MORVAN DISEASE; NEUROPATHY, CONGENITAL SENSORY; NEUROPATHY, HEREDITARY SENSORY RADICULAR, AUTOSOMAL RECESSIVE; NEUROPATHY, HEREDITARY SENSORY, TYPE IIA; NEUROPATHY, PROGRESSIVE SENSORY, OF CHILDREN; HSAN IIA. Identifiers: Orphanet 970, MedGen C2752089, MONDO:0024309, OMIM 201300.
Generalized epilepsy with febrile seizures plus, type 7 (GEFSP7). Also called: GEFS+, TYPE 7. Identifiers: Orphanet 36387, MedGen C2751778, MONDO:0013470, OMIM 613863.
Inborn genetic diseases. Identifiers: MedGen C0950123, MeSH D030342.

Allele frequency attached by ClinVar (database versions not stated): gnomAD 0.00001; TOPMed 0.00001.
gnomAD v4.1: 9 of 1,611,370 alleles (0.00056%); highest among the groups gnomAD compares: East Asian, 0.0022%; no homozygotes.

Submissions (5):

CeGaT Center for Human Genetics Tuebingen
Classification: Uncertain significance. Last evaluated: 2026-06-01. Review status: criteria provided, single submitter. Criteria: CeGaT Center For Human Genetics Tuebingen Variant Classification Criteria Version 2. Collection method: clinical testing. Allele origin: germline. Affected: yes. Observed: 2 variant alleles.

Dasa
Classification: Uncertain significance. Last evaluated: 2026-04-14. Review status: criteria provided, single submitter. Criteria: DASA Assertion Criteria. Collection method: clinical testing. Allele origin: germline.
Comment: NM_001365536.1(SCN9A):c.3289G>A (p.Asp1097Asn) is a missense variant that results in the substitution of aspartic acid with asparagine. This variant is rare in population databases. Computational prediction algorithms are consistent with a deleterious effect. The currently available literature and clinical evidence are not sufficient to establish a definitive association between this variant and the reported condition. Therefore, this variant is classified as a variant of uncertain significance.

GeneDx
Classification: Uncertain significance. Last evaluated: 2025-03-06. Review status: criteria provided, single submitter. Criteria: GeneDx Variant Classification Process June 2021. Collection method: clinical testing. Allele origin: germline. Affected: yes.
Comment: In silico analysis supports that this missense variant has a deleterious effect on protein structure/function; Has not been previously published as pathogenic or benign to our knowledge

Labcorp Genetics (formerly Invitae), Labcorp
Classification: Uncertain significance for Neuropathy, hereditary sensory and autonomic, type 2A; Generalized epilepsy with febrile seizures plus, type 7. Last evaluated: 2025-02-23. Review status: criteria provided, single submitter. Criteria: Invitae Variant Classification Sherloc (09022015). Collection method: clinical testing. Allele origin: germline.
Comment: This sequence change replaces aspartic acid, which is acidic and polar, with asparagine, which is neutral and polar, at codon 1086 of the SCN9A protein (p.Asp1086Asn). This variant is present in population databases (rs768654039, gnomAD 0.006%). This variant has not been reported in the literature in individuals affected with SCN9A-related conditions. ClinVar contains an entry for this variant (Variation ID: 451150). Invitae Evidence Modeling of protein sequence and biophysical properties (such as structural, functional, and spatial information, amino acid conservation, physicochemical variation, residue mobility, and thermodynamic stability) indicates that this missense variant is not expected to disrupt SCN9A protein function with a negative predictive value of 80%. In summary, the available evidence is currently insufficient to determine the role of this variant in disease. Therefore, it has been classified as a Variant of Uncertain Significance.

Ambry Genetics
Classification: Uncertain significance for Inborn genetic diseases. Last evaluated: 2025-02-11. Review status: criteria provided, single submitter. Criteria: Ambry Variant Classification Scheme 2023. Collection method: clinical testing. Allele origin: germline.